The following is an entry in ClinVar:

ClinVar aggregate classification (germline): Uncertain significance. Review status: criteria provided, multiple submitters, no conflicts (2 of 4 stars). 8 submissions from 8 submitters: Uncertain significance (8). Last evaluated 2025-08-14.

Conditions:
Senior-Loken syndrome 4 (SLSN4). Identifiers: Orphanet 3156, MedGen C1846979, MONDO:0011756, OMIM 606996.
Nephronophthisis. Also called: Juvenile Nephronophthisis. Identifiers: Orphanet 655, MedGen C0687120, MONDO:0019005, HP:0000090.
Nephronophthisis 4 (NPHP4). Also called: NEPHRONOPHTHISIS 4, JUVENILE. Identifiers: Orphanet 655, MedGen C1847013, MONDO:0011752, OMIM 606966.

Allele frequency attached by ClinVar (database versions not stated): ESP Exome Variant Server 0.00024; gnomAD 0.00006; gnomAD exomes 0.00007 and 0.00013; TOPMed 0.00015; 1000 Genomes Project 30x 0.00016; 1000 Genomes Project 0.00020; ExAC 0.00020.
gnomAD v4.1: 122 of 1,612,914 alleles (0.0076%); highest among the groups gnomAD compares: Middle Eastern, 0.12%; no homozygotes.

Submissions (9):

Mayo Clinic Laboratories, Mayo Clinic
Classification: Uncertain significance. Last evaluated: 2025-08-14. Review status: criteria provided, single submitter. Criteria: ACMG Guidelines, 2015. Collection method: clinical testing. Allele origin: germline. Observed: 1 variant allele.
Comment: PP3, PM2_supporting

GeneDx
Classification: Uncertain significance. Last evaluated: 2025-01-29. Review status: criteria provided, single submitter. Criteria: GeneDx Variant Classification Process June 2021. Collection method: clinical testing. Allele origin: germline. Affected: yes.
Comment: Observed in apparent homozygous state in a patient with multiple congenital anomalies in the literature (PMID: 36474027); In silico analysis supports that this missense variant has a deleterious effect on protein structure/function; This variant is associated with the following publications: (PMID: 36474027)

Labcorp Genetics (formerly Invitae), Labcorp
Classification: Uncertain significance for Nephronophthisis. Last evaluated: 2024-10-26. Review status: criteria provided, single submitter. Criteria: Invitae Variant Classification Sherloc (09022015). Collection method: clinical testing. Allele origin: germline.
Comment: This sequence change replaces histidine, which is basic and polar, with leucine, which is neutral and non-polar, at codon 769 of the NPHP4 protein (p.His769Leu). This variant is present in population databases (rs200821373, gnomAD 0.03%). This missense change has been observed in individual(s) with clinical features of NPHP4-related conditions (PMID: 36474027). ClinVar contains an entry for this variant (Variation ID: 497253). An algorithm developed to predict the effect of missense changes on protein structure and function (PolyPhen-2) suggests that this variant is likely to be disruptive. In summary, the available evidence is currently insufficient to determine the role of this variant in disease. Therefore, it has been classified as a Variant of Uncertain Significance.

Blueprint Genetics
Classification: Uncertain significance. Last evaluated: 2024-08-07. Review status: criteria provided, single submitter. Criteria: ACMG Guidelines, 2015. Collection method: clinical testing. Allele origin: germline.

Daryl Scott Lab, Baylor College of Medicine
Classification: Uncertain significance for Senior-Loken syndrome 4. Last evaluated: 2022-02-01. Review status: criteria provided, single submitter. Criteria: ACMG Guidelines, 2015. Collection method: clinical testing. Allele origin: biparental. Observed: 1 variant allele, 1 homozygote.

Fulgent Genetics
Classification: Uncertain significance for Nephronophthisis 4; Senior-Loken syndrome 4. Last evaluated: 2018-10-31. Review status: criteria provided, single submitter. Criteria: ACMG Guidelines, 2015. Collection method: clinical testing. Allele origin: unknown.

Eurofins Ntd Llc (ga)
Classification: Uncertain significance. Last evaluated: 2018-02-03. Review status: criteria provided, single submitter. Criteria: EGL Classification Definitions 2015. Collection method: clinical testing. Allele origin: germline. Observed: 3 variant alleles, 3 heterozygotes.

Breakthrough Genomics
Classification: Uncertain significance. Review status: criteria provided, single submitter. Criteria: ACMG Guidelines, 2015. Collection method: not provided. Allele origin: germline. Inheritance: Autosomal recessive inheritance. Affected: yes.

Dr. Peter K. Rogan Lab, Western University
No classification provided (evidence only). Condition: Ovarian serous cystadenocarcinoma. Review status: no classification provided. Collection method: in vitro. Allele origin: not applicable. Functional consequence: retained intron. Not counted in ClinVar's aggregate classification.

Literature cited by the submitters: PubMed 31016899 (cited by Mayo Clinic Laboratories, Mayo Clinic); PubMed 36474027 (cited by 3 submitters).

NM_015102.5(NPHP4):c.2306A>T (p.His769Leu)

Gene: NPHP4 (nephrocystin 4; minus strand). Cytogenetic location: 1p36.31.
Variant type: single nucleotide variant.
Coding change: c.2306A>T on transcript NM_015102.5 (MANE Select); coding-DNA position 2306, A replaced by T.
Protein change: p.His769Leu; replaces histidine 769 with leucine.
Molecular consequence: missense variant. On other transcripts: non-coding transcript variant (1).
Genome position (GRCh38, 1-based): chr1:5,887,465, T>A on the plus strand (A>T on the coding strand, the complement: NPHP4 is on the minus strand). VCF-style: chr1-5887465-T-A. GRCh37 (hg19) VCF-style: chr1-5947525-T-A.
Other names: p.His769Leu; c.767A>T, p.His256Leu (NM_001291593.2); c.770A>T, p.His257Leu (NM_001291594.2); c.2306A>T (NM_015102.3); short protein forms H769L, H257L, H256L.
Identifiers: ClinVar variation 497253 (VCV000497253.17), dbSNP rs200821373, ClinGen allele CA554158.